The following is an entry in ClinVar:

NC_000016.9:g.(?_89824965)_(89825133_?)del

Gene: FANCA (FA complementation group A; minus strand). Cytogenetic location: 16q24.3.
Variant type: Deletion.
Identifiers: ClinVar variation 2422430 (VCV002422430.3).

ClinVar aggregate classification (germline): Pathogenic (1 of 4 stars; one submission).

Conditions:
Fanconi anemia (FA). Also called: Fanconi's anemia. Identifiers: Orphanet 84, MedGen C0015625, MeSH D005199, MONDO:0019391.

Submission:

Labcorp Genetics (formerly Invitae), Labcorp
Classification: Pathogenic for Fanconi anemia. Last evaluated: 2022-08-23. Review status: criteria provided, single submitter. Criteria: Invitae Variant Classification Sherloc (09022015). Collection method: clinical testing. Allele origin: germline.
Comment: This variant is a gross deletion of the genomic region encompassing exon(s) 30 of the FANCA gene. This variant would be expected to be in-frame, preserving the integrity of the reading frame. A similar copy number variant has been observed in individual(s) with Fanconi anemia (PMID: 30792206, 32487094). In at least one individual the data is consistent with being in trans (on the opposite chromosome) from a pathogenic variant. For these reasons, this variant has been classified as Pathogenic.

Literature cited by the submitters: PubMed 30792206; PubMed 32487094.